The following is an entry in ClinVar:

NM_001852.4(COL9A2):c.1485dup (p.Gly496fs)

Gene: COL9A2 (collagen type IX alpha 2 chain; minus strand). Cytogenetic location: 1p34.2.
Variant type: Duplication.
Coding change: c.1485dup on transcript NM_001852.4 (MANE Select); coding-DNA position 1485, one base duplicated (C; older notation c.1485dupC).
Protein change: p.Gly496fs; shifts the reading frame from glycine 496.
Molecular consequence: frameshift variant.
Genome position (GRCh38, 1-based): chr1:40,303,593, G duplicated on the plus strand (C on the coding strand, the reverse complement: COL9A2 is on the minus strand); the first of 6 consecutive G bases (chr1:40,303,593-40,303,598); duplicating any one gives the same sequence. VCF-style (leftmost placement, unchanged base first): chr1-40303592-C-CG. GRCh37 (hg19) VCF-style: chr1-40769264-C-CG.
Other names: short protein forms G496fs.
Identifiers: ClinVar variation 817792 (VCV000817792.1), dbSNP rs761748258, ClinGen allele CA791429.

ClinVar aggregate classification (germline): Likely pathogenic (1 of 4 stars; one submission).

Submission:

GeneDx
Classification: Likely pathogenic. Last evaluated: 2018-08-27. Review status: criteria provided, single submitter. Criteria: GeneDx Variant Classification (06012015). Collection method: clinical testing. Allele origin: germline. Affected: yes.
Comment: The c.1485dupC variant in the COL9A2 gene has not been reported previously as a pathogenic variant nor as a benign variant, to our knowledge. The c.1485dupC variant causes a frameshift starting with codon Glycine 496, changes this amino acid to an Arginine residue, and creates a premature Stop codon at position 27 of the new reading frame, denoted p.Gly496ArgfsX27. This variant is predicted to cause loss of normal protein function either through protein truncation or nonsense-mediated mRNA decay. The c.1485dupC variant is not observed in large population cohorts (Lek et al., 2016). We interpret c.1485dupC as a likely pathogenic variant.